The following is an entry in ClinVar:

ClinVar aggregate classification (germline): Pathogenic (1 of 4 stars; one submission).

Conditions:
PHARC syndrome. Also called: Polyneuropathy-hearing loss-ataxia-retinitis pigmentosa-cataract syndrome. Identifiers: Orphanet 171848, MedGen C2675204, MONDO:0012984, OMIM 612674.

Submission:

Lupski Lab, Baylor-Hopkins CMG, Baylor College of Medicine
Classification: Pathogenic for PHARC syndrome. Last evaluated: 2015-08-18. Review status: criteria provided, single submitter. Criteria: Fiskerstrand et al. (Am J Hum Genet. 2010). Collection method: research. Allele origin: inherited. Inheritance: Autosomal recessive inheritance. Affected: yes. Observed: 6 variant alleles, 3 heterozygotes, 3 homozygotes.
Comment: This copy number variation has been previously reported as disease-causing and was identified in a family with PHARC.

Literature cited by the submitters: PubMed 26257172.

Single allele

Genes: ABHD12 (abhydrolase domain containing 12, lysophospholipase; minus strand), LOC130065585 (ATAC-STARR-seq lymphoblastoid silent region 12751; plus strand), LOC130065583 (ATAC-STARR-seq lymphoblastoid silent region 12749; plus strand), LOC130065586 (ATAC-STARR-seq lymphoblastoid silent region 12752; plus strand), LOC130065584 (ATAC-STARR-seq lymphoblastoid silent region 12750; plus strand). Cytogenetic location: 20p11.21.
Variant type: Deletion.
Identifiers: ClinVar variation 243081 (VCV000243081.1).